The following is an entry in ClinVar:

NM_000053.4(ATP7B):c.2532del (p.Val845fs)

Gene: ATP7B (ATPase copper transporting beta; minus strand). Cytogenetic location: 13q14.3.
Variant type: Deletion.
Coding change: c.2532del on transcript NM_000053.4 (MANE Select); coding-DNA position 2532, one base deleted (A; older notation c.2532delA).
Protein change: p.Val845fs; shifts the reading frame from valine 845.
Molecular consequence: frameshift variant.
Genome position (GRCh38, 1-based): chr13:51,950,315, T deleted on the plus strand (A on the coding strand, the reverse complement: ATP7B is on the minus strand); the first of 3 consecutive T bases (chr13:51,950,315-51,950,317); deleting any one gives the same sequence. VCF-style (leftmost placement, unchanged base first): chr13-51950314-CT-C. GRCh37 (hg19) VCF-style: chr13-52524450-CT-C.
Other names: c.2532del (NM_000053.3); c.2046del, p.Val683fs (NM_001005918.3); c.2199del, p.Val734fs (NM_001243182.2); c.2298del, p.Val767fs (NM_001330578.2); c.2280del, p.Val761fs (NM_001330579.2); c.2532delA (NM_000053.4); short protein forms V761fs, V767fs, V845fs, V683fs, V734fs.
Identifiers: ClinVar variation 188883 (VCV000188883.65), dbSNP rs755709270, ClinGen allele CA274077.

ClinVar aggregate classification (germline): Pathogenic/Likely pathogenic. Review status: criteria provided, multiple submitters, no conflicts (2 of 4 stars). 20 submissions from 20 submitters: Pathogenic (18); Likely pathogenic (1). 1 of the submissions does not count toward it. Last evaluated 2025-09-15.

Conditions:
ATP7B-related disorder. Also called: ATP7B-related condition.
Wilson disease (WND). Also called: Wilson's disease. Identifiers: Orphanet 905, MedGen C0019202, MONDO:0010200, OMIM 277900. Disease mechanism: loss of function.

Submissions 1 to 12 of 20:

Labcorp Genetics (formerly Invitae), Labcorp
Classification: Pathogenic for Wilson disease. Last evaluated: 2025-09-15. Review status: criteria provided, single submitter. Criteria: Invitae Variant Classification Sherloc (09022015). Collection method: clinical testing. Allele origin: germline.
Comment: This sequence change creates a premature translational stop signal (p.Val845Serfs*28) in the ATP7B gene. It is expected to result in an absent or disrupted protein product. Loss-of-function variants in ATP7B are known to be pathogenic (PMID: 10441329, 16283883). This variant is present in population databases (rs755709270, gnomAD 0.002%). This premature translational stop signal has been observed in individual(s) with Wilson disease (PMID: 8533760, 11243728, 15523622, 24517292). This variant is also known as K844K-fs. ClinVar contains an entry for this variant (Variation ID: 188883). For these reasons, this variant has been classified as Pathogenic.

CeGaT Center for Human Genetics Tuebingen
Classification: Pathogenic. Last evaluated: 2025-09-01. Review status: criteria provided, single submitter. Criteria: CeGaT Center For Human Genetics Tuebingen Variant Classification Criteria Version 2. Collection method: clinical testing. Allele origin: germline. Affected: yes. Observed: 3 variant alleles.
Comment: ATP7B: PVS1, PM3:Strong, PM2, PP4:Moderate

GeneDx
Classification: Pathogenic. Last evaluated: 2025-08-14. Review status: criteria provided, single submitter. Criteria: GeneDx Variant Classification Process June 2021. Collection method: clinical testing. Allele origin: germline. Affected: yes.
Comment: Frameshift variant predicted to result in protein truncation or nonsense mediated decay in a gene for which loss of function is a known mechanism of disease; Not observed at significant frequency in large population cohorts (gnomAD); Also known as K844K-fs and c.2530delA; This variant is associated with the following publications: (PMID: 31589614, 25497208, 8533760, 11243728, 16283883, 15523622, 24517292, 30230192, 36096368, 34400371, 22308153, 22484412, 20967755, 23333878, 21682854, 18483695)

Revvity Omics, Revvity
Classification: Pathogenic for Wilson disease. Last evaluated: 2025-06-27. Review status: criteria provided, single submitter. Criteria: ACMG Guidelines, 2015. Collection method: clinical testing. Allele origin: germline.

Natera, Inc.
Classification: Pathogenic for Wilson disease. Last evaluated: 2025-06-13. Review status: criteria provided, single submitter. Criteria: Natera Variant Classification Schema (03/2026). Collection method: clinical testing. Allele origin: germline.
Comment: The c.2532delA variant in ATP7B is a frameshift variant predicted to shift the reading frame beginning at codon 845 and leads to a stop codon 28 codons downstream. This variant is expected to result in nonsense mediated decay, truncation, or a dysfunctional protein product. This variant is rare in the general population with a frequency below the threshold expected for the associated phenotype(s). This variant has been observed in one or more individuals affected with the associated recessive disease, as either homozygous or compound heterozygous with a second variant (PMID: 24517292, 21682854). Given the available evidence, this variant is classified as Pathogenic.

All of Us Research Program, National Institutes of Health
Classification: Pathogenic for Wilson disease. Last evaluated: 2024-09-27. Review status: criteria provided, single submitter. Criteria: ACMG Guidelines, 2015. Collection method: clinical testing. Allele origin: germline. Inheritance: Autosomal recessive inheritance. Observed: 9 variant alleles, 9 heterozygotes.
Comment: This variant deletes 1 nucleotide in exon 10 of the ATP7B gene, creating a frameshift and premature translation stop signal. This variant is expected to result in an absent or non-functional protein product. This variant has been reported in dozens of individuals affected with autosomal recessive Wilson disease (PMID: 8533760, 11243728, 15523622, 16283883, 18483695, 20967755, 21682854, 22308153, 22484412, 23333878, 25497208, 30230192, 36096368). In most of these affected individuals, this variant was confirmed to be in the compound heterozygous state (PMID: 11243728, 15523622, 30230192) or the homozygous state (PMID: 15523622, 21682854, 22484412), indicating that this variant contributes to autosomal recessive disease. In one family, this variant co-segregated with Wilson disease in four siblings who carried this variant in compound heterozygosity with His1069Gln (PMID: 11243728). This variant is rare in the general population by the Genome Aggregation Database (gnomAD). Loss of ATP7B function is a known mechanism of disease. Based on the available evidence, this variant is classified as Pathogenic.

This study involves interpretation of variants in research participants for the purpose of population health screening. Participant phenotype was not available at the time of variant classification. Additional details can be found in publication PMID: 35346344, PMCID: PMC8962531

ARUP Laboratories, Molecular Genetics and Genomics, ARUP Laboratories
Classification: Pathogenic for Wilson disease. Last evaluated: 2024-09-05. Review status: criteria provided, single submitter. Criteria: ARUP Molecular Germline Variant Investigation Process 2024. Collection method: clinical testing. Allele origin: germline.
Comment: The ATP7B c.2532delA; p.Val845SerfsTer28 variant (rs755709270) has been reported in multiple patients diagnosed with Wilson disease (Abdelghaffar 2008, Abdel Ghaffar 2011, Figus 1995, Gromadzka 2005, Lepori 2012, Panagiotakaki 2004, Simsek Papur 2013). The variant is reported in the ClinVar database (Variation ID: 188883). It is only observed on two alleles in the Genome Aggregation Database, indicating it is not a common polymorphism. This variant causes a frameshift by deleting a single nucleotide, so it is predicted to result in a truncated protein or mRNA subject to nonsense-mediated decay. Based on available information, this variant is considered to be pathogenic. References: Abdelghaffar TY et al. Mutational analysis of ATP7B gene in Egyptian children with Wilson disease: 12 novel mutations. J Hum Genet. 2008;53(8):681. PMID: 18483695. Abdel Ghaffar TY et al. Phenotypic and genetic characterization of a cohort of pediatric Wilson disease patients. BMC Pediatr. 2011 Jun 17;11:56. PMID: 21682854. Figus A et al. Molecular pathology and haplotype analysis of Wilson disease in Mediterranean populations. Am J Hum Genet. 1995 Dec;57(6):1318-24. PMID: 8533760. Gromadzka G et al. Frameshift and nonsense mutations in the gene for ATPase7B are associated with severe impairment of copper metabolism and with an early clinical manifestation of Wilson's disease. Clin Genet. 2005 Dec;68(6):524-32. PMID: 16283883. Lepori MB et al. Mutation analysis of the ATP7B gene in a new group of Wilson's disease patients: contribution to diagnosis. Mol Cell Probes. 2012 Aug;26(4):147-50. PMID: 22484412. Panagiotakaki E et al. Genotype-phenotype correlations for a wide spectrum of mutations in the Wilson disease gene (ATP7B). Am J Med Genet A. 2004 Dec 1;131(2):168-73. PMID: 15523622. Simsek Papur O et al. Mutation analysis of ATP7B gene in Turkish Wilson disease patients: identification of five novel mutations. Eur J Med Genet. 2013 Apr;56(4):175-9. PMID: 23333878.

Lildballe Lab, Aarhus University Hospital
Classification: Pathogenic for Wilson disease. Last evaluated: 2024-08-29. Review status: criteria provided, single submitter. Criteria: ACMG Guidelines, 2015. Collection method: clinical testing. Allele origin: germline. Affected: yes.
Comment: PM3, PVS1, PM2

Blueprint Genetics
Classification: Pathogenic for ATP7B-related disorders. Last evaluated: 2024-07-22. Review status: criteria provided, single submitter. Criteria: ACMG Guidelines, 2015. Collection method: clinical testing. Allele origin: germline. Affected: yes. Observed: 5 variant alleles.

Fulgent Genetics
Classification: Pathogenic for Wilson disease. Last evaluated: 2024-05-20. Review status: criteria provided, single submitter. Criteria: ACMG Guidelines, 2015. Collection method: clinical testing. Allele origin: germline.

Color Diagnostics, LLC DBA Color Health
Classification: Pathogenic for Wilson disease. Last evaluated: 2024-05-08. Review status: criteria provided, single submitter. Criteria: ACMG Guidelines, 2015. Collection method: clinical testing. Allele origin: germline.
Comment: This variant deletes 1 nucleotide in exon 10 of the ATP7B gene, creating a frameshift and premature translation stop signal. This variant is expected to result in an absent or non-functional protein product. This variant has been reported in dozens of individuals affected with autosomal recessive Wilson disease (PMID: 8533760, 11243728, 15523622, 16283883, 18483695, 20967755, 21682854, 22308153, 22484412, 23333878, 25497208, 30230192, 36096368). In most of these affected individuals, this variant was confirmed to be in the compound heterozygous state (PMID: 11243728, 15523622, 30230192) or the homozygous state (PMID: 15523622, 21682854, 22484412), indicating that this variant contributes to autosomal recessive disease. In one family, this variant co-segregated with Wilson disease in four siblings who carried this variant in compound heterozygosity with His1069Gln (PMID: 11243728). This variant is rare in the general population by the Genome Aggregation Database (gnomAD). Loss of ATP7B function is a known mechanism of disease. Based on the available evidence, this variant is classified as Pathogenic.

Baylor Genetics
Classification: Pathogenic for Wilson disease. Last evaluated: 2024-03-25. Review status: criteria provided, single submitter. Criteria: ACMG Guidelines, 2015. Collection method: clinical testing. Allele origin: unknown.